The following is an entry in ClinVar:

NM_024817.3(THSD4):c.171C>T (p.Gly57=)

Gene: THSD4 (thrombospondin type 1 domain containing 4; plus strand). Cytogenetic location: 15q23.
Variant type: single nucleotide variant.
Coding change: c.171C>T on transcript NM_024817.3 (MANE Select); coding-DNA position 171, C replaced by T.
Protein change: p.Gly57=; no amino-acid change (glycine 57 retained).
Molecular consequence: synonymous variant.
Genome position (GRCh38, 1-based): chr15:71,215,106, C>T. VCF-style: chr15-71215106-C-T. GRCh37 (hg19) VCF-style: chr15-71507445-C-T.
Other names: c.171C>T, p.Gly57= (NM_001394532.1).
Identifiers: ClinVar variation 4084046 (VCV004084046.8).
Genomic context (GRCh38, chr15:71,215,106, plus strand): 5'-GATGGCGGCGGAGGGCGCCCCCGAGGACGACGGCGGCGGCGGCGCCCCGGGAGTGTGGGG[C>T]GCCTGGGGCCCCTGGTCGGCCTGCTCGCGTAGCTGCAGCGGCGGCGTGATGGAGCAGACG-3'
Protein context (NP_079093.2, residues 47-67): DGGGGAPGVW[Gly57=]AWGPWSACSR

ClinVar aggregate classification (germline): Likely benign (1 of 4 stars; one submission).

gnomAD v4.1: 328 of 1,333,494 alleles (0.025%); highest among the groups gnomAD compares: Non-Finnish European, 0.03%; 1 homozygote.

Submission:

CeGaT Center for Human Genetics Tuebingen
Classification: Likely benign. Last evaluated: 2025-07-01. Review status: criteria provided, single submitter. Criteria: CeGaT Center For Human Genetics Tuebingen Variant Classification Criteria Version 2. Collection method: clinical testing. Allele origin: germline. Affected: yes. Observed: 1 variant allele.
Comment: THSD4: BP4, BP7